The following is an entry in ClinVar:

NM_001101362.3(KBTBD13):c.887C>T (p.Ala296Val)

Gene: KBTBD13 (kelch repeat and BTB domain containing 13; plus strand). Cytogenetic location: 15q22.31.
Variant type: single nucleotide variant.
Coding change: c.887C>T on transcript NM_001101362.3 (MANE Select); coding-DNA position 887, C replaced by T.
Protein change: p.Ala296Val; replaces alanine 296 with valine.
Molecular consequence: missense variant.
Genome position (GRCh38, 1-based): chr15:65,077,702, C>T. VCF-style: chr15-65077702-C-T. GRCh37 (hg19) VCF-style: chr15-65370040-C-T.
Other names: short protein forms A296V.
Identifiers: ClinVar variation 1448836 (VCV001448836.8), dbSNP rs1469851032, ClinGen allele CA392864253.

ClinVar aggregate classification (germline): Uncertain significance (1 of 4 stars; one submission).

Conditions:
Nemaline myopathy 6 (NEM6). Also called: Nemaline myopathy 6, autosomal dominant. Identifiers: Orphanet 171439, MedGen C1836472, MONDO:0012237, OMIM 609273.

Allele frequency attached by ClinVar (database versions not stated): gnomAD exomes below 0.00001; TOPMed below 0.00001.

Submission:

Labcorp Genetics (formerly Invitae), Labcorp
Classification: Uncertain significance for Nemaline myopathy 6. Last evaluated: 2024-10-29. Review status: criteria provided, single submitter. Criteria: Invitae Variant Classification Sherloc (09022015). Collection method: clinical testing. Allele origin: germline.
Comment: This sequence change replaces alanine, which is neutral and non-polar, with valine, which is neutral and non-polar, at codon 296 of the KBTBD13 protein (p.Ala296Val). This variant is not present in population databases (gnomAD no frequency). This variant has not been reported in the literature in individuals affected with KBTBD13-related conditions. ClinVar contains an entry for this variant (Variation ID: 1448836). Invitae Evidence Modeling of protein sequence and biophysical properties (such as structural, functional, and spatial information, amino acid conservation, physicochemical variation, residue mobility, and thermodynamic stability) indicates that this missense variant is not expected to disrupt KBTBD13 protein function with a negative predictive value of 80%. In summary, the available evidence is currently insufficient to determine the role of this variant in disease. Therefore, it has been classified as a Variant of Uncertain Significance.